The following is an entry in ClinVar:

ClinVar aggregate classification (germline): Uncertain significance. Review status: criteria provided, multiple submitters, no conflicts (2 of 4 stars). 2 submissions from 2 submitters: Uncertain significance (2). Last evaluated 2023-08-03.

Conditions:
Hereditary cancer-predisposing syndrome. Also called: Hereditary neoplastic syndrome; Tumor predisposition; Neoplastic Syndromes, Hereditary; Hereditary Cancer Syndrome. Identifiers: Orphanet 140162, MedGen C0027672, MeSH D009386, MONDO:0015356.
Gorlin syndrome. Also called: Nevoid Basal Cell Carcinoma Syndrome; Basal cell nevus syndrome. Identifiers: Orphanet 377, MedGen C0004779, MONDO:0007187.
Medulloblastoma (MDB). Also called: MEDULLOBLASTOMA PREDISPOSITION SYNDROME; Medulloblastoma, somatic. Identifiers: Orphanet 616, MedGen C0025149, MeSH D008527, MONDO:0007959, OMIM 155255, HP:0002885.

Submissions (2):

Labcorp Genetics (formerly Invitae), Labcorp
Classification: Uncertain significance for Gorlin syndrome; Medulloblastoma. Last evaluated: 2023-08-03. Review status: criteria provided, single submitter. Criteria: Invitae Variant Classification Sherloc (09022015). Collection method: clinical testing. Allele origin: germline.
Comment: This sequence change replaces isoleucine, which is neutral and non-polar, with asparagine, which is neutral and polar, at codon 291 of the SUFU protein (p.Ile291Asn). This variant is not present in population databases (gnomAD no frequency). This variant has not been reported in the literature in individuals affected with SUFU-related conditions. ClinVar contains an entry for this variant (Variation ID: 2447185). Advanced modeling of protein sequence and biophysical properties (such as structural, functional, and spatial information, amino acid conservation, physicochemical variation, residue mobility, and thermodynamic stability) performed at Invitae indicates that this missense variant is not expected to disrupt SUFU protein function. In summary, the available evidence is currently insufficient to determine the role of this variant in disease. Therefore, it has been classified as a Variant of Uncertain Significance.

Ambry Genetics
Classification: Uncertain significance for Hereditary cancer-predisposing syndrome. Last evaluated: 2022-11-10. Review status: criteria provided, single submitter. Criteria: Ambry Variant Classification Scheme 2023. Collection method: clinical testing. Allele origin: germline.
Comment: The p.I291N variant (also known as c.872T>A), located in coding exon 7 of the SUFU gene, results from a T to A substitution at nucleotide position 872. The isoleucine at codon 291 is replaced by asparagine, an amino acid with dissimilar properties. This amino acid position is conserved. In addition, the in silico prediction for this alteration is inconclusive. Since supporting evidence is limited at this time, the clinical significance of this alteration remains unclear.

NM_016169.4(SUFU):c.872T>A (p.Ile291Asn)

Gene: SUFU (SUFU negative regulator of hedgehog signaling; plus strand). Cytogenetic location: 10q24.32.
Variant type: single nucleotide variant.
Coding change: c.872T>A on transcript NM_016169.4 (MANE Select); coding-DNA position 872, T replaced by A.
Protein change: p.Ile291Asn; replaces isoleucine 291 with asparagine.
Molecular consequence: missense variant.
Genome position (GRCh38, 1-based): chr10:102,597,255, T>A. VCF-style: chr10-102597255-T-A. GRCh37 (hg19) VCF-style: chr10-104357012-T-A.
Other names: c.872T>A, p.Ile291Asn (NM_001178133.2); short protein forms I291N.
Identifiers: ClinVar variation 2447185 (VCV002447185.5), dbSNP rs587778698, ClinGen allele CA377910745.